The following is an entry in ClinVar:

NM_003079.5(SMARCE1):c.1190A>T (p.Glu397Val)

Gene: SMARCE1 (SWI/SNF related BAF chromatin remodeling complex subunit E1; minus strand). Cytogenetic location: 17q21.2.
Variant type: single nucleotide variant.
Coding change: c.1190A>T on transcript NM_003079.5 (MANE Select); coding-DNA position 1190, A replaced by T.
Protein change: p.Glu397Val; replaces glutamic acid 397 with valine.
Molecular consequence: missense variant.
Genome position (GRCh38, 1-based): chr17:40,628,831, T>A on the plus strand (A>T on the coding strand, the complement: SMARCE1 is on the minus strand). VCF-style: chr17-40628831-T-A. GRCh37 (hg19) VCF-style: chr17-38785083-T-A.
Other names: short protein forms E397V.
Identifiers: ClinVar variation 3958590 (VCV003958590.1).
Genomic context (GRCh38, chr17:40,628,831, plus strand): 5'-AAACAAGGCAACACTTATTCTTTTTTCTCATCTTCTGGTATGGGATCTGTTGGTGGCTCC[T>A]CCACTGTTGCACTGTTGCTCTCCGAGCCAGTGTTACTATCACTGGTTCCTTCCTCTGCCA-3'
Protein context (NP_003070.3, residues 387-407): TGSESNSATV[Glu397Val]EPPTDPIPED

ClinVar aggregate classification (germline): Uncertain significance (1 of 4 stars; one submission).

Conditions:
Hereditary cancer-predisposing syndrome. Also called: Tumor predisposition; Hereditary neoplastic syndrome; Hereditary Cancer Syndrome; Neoplastic Syndromes, Hereditary. Identifiers: Orphanet 140162, MedGen C0027672, MeSH D009386, MONDO:0015356.

Submission:

Ambry Genetics
Classification: Uncertain significance for Hereditary cancer-predisposing syndrome. Last evaluated: 2025-03-28. Review status: criteria provided, single submitter. Criteria: Ambry Variant Classification Scheme 2023. Collection method: clinical testing. Allele origin: germline.
Comment: The p.E397V variant (also known as c.1190A>T), located in coding exon 10 of the SMARCE1 gene, results from an A to T substitution at nucleotide position 1190. The glutamic acid at codon 397 is replaced by valine, an amino acid with dissimilar properties. This amino acid position is conserved. In addition, this alteration is predicted to be tolerated by in silico analysis. Based on the available evidence, the clinical significance of this variant remains unclear.